The following is an entry in ClinVar:

NM_001122752.2(SERPINI1):c.1031T>C (p.Val344Ala)

Gene: SERPINI1 (serpin family I member 1; plus strand). Cytogenetic location: 3q26.1.
Variant type: single nucleotide variant.
Coding change: c.1031T>C on transcript NM_001122752.2 (MANE Select); coding-DNA position 1031, T replaced by C.
Protein change: p.Val344Ala; replaces valine 344 with alanine.
Molecular consequence: missense variant.
Genome position (GRCh38, 1-based): chr3:167,823,037, T>C. VCF-style: chr3-167823037-T-C. GRCh37 (hg19) VCF-style: chr3-167540825-T-C.
Other names: c.1031T>C, p.Val344Ala (NM_005025.5); short protein forms V344A.
Identifiers: ClinVar variation 5029403 (VCV005029403.1).

ClinVar aggregate classification (germline): Uncertain significance (1 of 4 stars; one submission).

Conditions:
Inborn genetic diseases. Identifiers: MedGen C0950123, MeSH D030342.

Submission:

Ambry Genetics
Classification: Uncertain significance for Inborn genetic diseases. Last evaluated: 2026-08-13. Review status: criteria provided, single submitter. Criteria: Ambry Variant Classification Scheme 2023. Collection method: clinical testing. Allele origin: germline.
Comment: The c.1031T>C (p.V344A) alteration is located in exon 7 (coding exon 6) of the SERPINI1 gene. This alteration results from a T to C substitution at nucleotide position 1031, causing the valine (V) at amino acid position 344 to be replaced by an alanine (A). Based on data from gnomAD, the C allele has an overall frequency of <0.001% (1/251376) total alleles studied. The highest observed frequency was 0.005% (1/18394) of East Asian alleles. Based on insufficient or conflicting evidence, the clinical significance of this alteration remains unclear.